The following is an entry in ClinVar:

ClinVar aggregate classification (germline): Likely benign (1 of 4 stars; one submission).

Conditions:
Familial isolated arrhythmogenic right ventricular dysplasia. Identifiers: Orphanet 217656, MedGen C4274968, MONDO:0016342.

gnomAD v4.1: 5 of 1,613,226 alleles (0.00031%); highest among the groups gnomAD compares: Non-Finnish European, 0.00034%; no homozygotes.

Submission:

All of Us Research Program, National Institutes of Health
Classification: Likely benign for Familial isolated arrhythmogenic right ventricular dysplasia. Last evaluated: 2024-07-20. Review status: criteria provided, single submitter. Criteria: ACMG Guidelines, 2015. Collection method: clinical testing. Allele origin: germline. Inheritance: Autosomal dominant inheritance. Observed: 1 variant allele, 1 heterozygote.
Comment: This study involves interpretation of variants in research participants for the purpose of population health screening. Participant phenotype was not available at the time of variant classification. Additional details can be found in publication PMID: 35346344, PMCID: PMC8962531

NM_024422.6(DSC2):c.631-14T>A

Gene: DSC2 (desmocollin 2; minus strand). Cytogenetic location: 18q12.1.
Variant type: single nucleotide variant.
Coding change: c.631-14T>A on transcript NM_024422.6 (MANE Select); 14 bases into the intron before coding-DNA position 631, T replaced by A.
Molecular consequence: intron variant.
Genome position (GRCh38, 1-based): chr18:31,087,827, A>T on the plus strand (T>A on the coding strand, the complement: DSC2 is on the minus strand). VCF-style: chr18-31087827-A-T. GRCh37 (hg19) VCF-style: chr18-28667790-A-T.
Other names: c.631-14T>A (NM_004949.5); c.202-14T>A (NM_001406506.1, NM_001406507.1).
Identifiers: ClinVar variation 3386542 (VCV003386542.1).
Genomic context (GRCh38, chr18:31,087,827, plus strand): 5'-GGAAGTTCTGGAGTATACCCATCTGGAGTTGTTGCAAAGGCAATTATCTGTGAAGAGAGT[A>T]AAATAAGGAGAAAAGTGAAAATAATCTTTTAAAATGAGGTATGCTTCAAATTCATTTTGG-3'